The following is an entry in ClinVar:

NM_001197104.2(KMT2A):c.11812T>C (p.Tyr3938His)

Genes: KMT2A (lysine methyltransferase 2A; plus strand), TTC36-AS1 (TTC36 and KMT2A antisense RNA 1; minus strand). Cytogenetic location: 11q23.3.
Variant type: single nucleotide variant.
Coding change: c.11812T>C on transcript NM_001197104.2 (MANE Select); coding-DNA position 11812, T replaced by C.
Protein change: p.Tyr3938His; replaces tyrosine 3938 with histidine.
Molecular consequence: missense variant.
Genome position (GRCh38, 1-based): chr11:118,522,065, T>C. VCF-style: chr11-118522065-T-C. GRCh37 (hg19) VCF-style: chr11-118392780-T-C.
Other names: c.11902T>C, p.Tyr3968His (NM_001412597.1); c.11803T>C, p.Tyr3935His (NM_005933.4); short protein forms Y3968H, Y3935H, Y3938H.
Identifiers: ClinVar variation 2712151 (VCV002712151.3), dbSNP rs2497134412, ClinGen allele CA382836464.

ClinVar aggregate classification (germline): Uncertain significance (1 of 4 stars; one submission).

Submission:

Labcorp Genetics (formerly Invitae), Labcorp
Classification: Uncertain significance. Last evaluated: 2024-01-29. Review status: criteria provided, single submitter. Criteria: Invitae Variant Classification Sherloc (09022015). Collection method: clinical testing. Allele origin: germline.
Comment: This sequence change replaces tyrosine, which is neutral and polar, with histidine, which is basic and polar, at codon 3938 of the KMT2A protein (p.Tyr3938His). This variant is not present in population databases (gnomAD no frequency). This variant has not been reported in the literature in individuals affected with KMT2A-related conditions. Advanced modeling of protein sequence and biophysical properties (such as structural, functional, and spatial information, amino acid conservation, physicochemical variation, residue mobility, and thermodynamic stability) performed at Invitae indicates that this missense variant is not expected to disrupt KMT2A protein function with a negative predictive value of 95%. In summary, the available evidence is currently insufficient to determine the role of this variant in disease. Therefore, it has been classified as a Variant of Uncertain Significance.